The following is an entry in ClinVar:

NM_001330078.2(NRXN1):c.672G>T (p.Glu224Asp)

Gene: NRXN1 (neurexin 1; minus strand). Cytogenetic location: 2p16.3.
Variant type: single nucleotide variant.
Coding change: c.672G>T on transcript NM_001330078.2 (MANE Select); coding-DNA position 672, G replaced by T.
Protein change: p.Glu224Asp; replaces glutamic acid 224 with aspartic acid.
Molecular consequence: missense variant.
Genome position (GRCh38, 1-based): chr2:51,027,602, C>A on the plus strand (G>T on the coding strand, the complement: NRXN1 is on the minus strand). VCF-style: chr2-51027602-C-A. GRCh37 (hg19) VCF-style: chr2-51254740-C-A.
Other names: c.672G>T, p.Glu224Asp (NM_001135659.3, NM_001330077.2, NM_001330079.2 and 15 more transcripts); c.672G>T (NM_001135659.2); short protein forms E224D.
Identifiers: ClinVar variation 581102 (VCV000581102.9), dbSNP rs1011679353, ClinGen allele CA346823524.

ClinVar aggregate classification (germline): Uncertain significance. Review status: criteria provided, multiple submitters, no conflicts (2 of 4 stars). 2 submissions from 2 submitters: Uncertain significance (2). Last evaluated 2026-04-30.

Conditions:
NRXN1-related disorder.
Pitt-Hopkins-like syndrome 2 (PTHSL2). Identifiers: Orphanet 221150, Orphanet 600663, MedGen C3280479, MONDO:0013690, OMIM 614325.

Allele frequency attached by ClinVar (database versions not stated): TOPMed 0.00001.

Submissions (2):

PreventionGenetics, part of Exact Sciences
Classification: Uncertain significance for NRXN1-related condition. Last evaluated: 2026-04-30. Review status: criteria provided, single submitter. Criteria: ACMG Guidelines, 2015. Collection method: clinical testing. Allele origin: germline.
Comment: The NRXN1 c.672G>T variant is predicted to result in the amino acid substitution p.Glu224Asp. To our knowledge, this variant has not been reported in the literature or in a large population database (gnomAD), indicating this variant is rare. At this time, the clinical significance of this variant is uncertain due to the absence of conclusive functional and genetic evidence.

Labcorp Genetics (formerly Invitae), Labcorp
Classification: Uncertain significance for Pitt-Hopkins-like syndrome 2. Last evaluated: 2025-12-15. Review status: criteria provided, single submitter. Criteria: Invitae Variant Classification Sherloc (09022015). Collection method: clinical testing. Allele origin: germline.
Comment: This sequence change replaces glutamic acid, which is acidic and polar, with aspartic acid, which is acidic and polar, at codon 224 of the NRXN1 protein (p.Glu224Asp). This variant is not present in population databases (gnomAD no frequency). This variant has not been reported in the literature in individuals affected with NRXN1-related conditions. ClinVar contains an entry for this variant (Variation ID: 581102). An algorithm developed to predict the effect of missense changes on protein structure and function outputs the following: PolyPhen-2: "Benign". The aspartic acid amino acid residue is found in multiple mammalian species, which suggests that this missense change does not adversely affect protein function. In summary, the available evidence is currently insufficient to determine the role of this variant in disease. Therefore, it has been classified as a Variant of Uncertain Significance.